The following is an entry in ClinVar:

NM_001270508.2(TNFAIP3):c.16C>A (p.Leu6Ile)

Gene: TNFAIP3 (TNF alpha induced protein 3; plus strand). Cytogenetic location: 6q23.3.
Variant type: single nucleotide variant.
Coding change: c.16C>A on transcript NM_001270508.2 (MANE Select); coding-DNA position 16, C replaced by A.
Protein change: p.Leu6Ile; replaces leucine 6 with isoleucine.
Molecular consequence: missense variant.
Genome position (GRCh38, 1-based): chr6:137,871,243, C>A. VCF-style: chr6-137871243-C-A. GRCh37 (hg19) VCF-style: chr6-138192380-C-A.
Other names: c.16C>A, p.Leu6Ile (NM_001270507.2, NM_006290.4); short protein forms L6I.
Identifiers: ClinVar variation 1399117 (VCV001399117.8), dbSNP rs2114457420, ClinGen allele CA365779357.
Genomic context (GRCh38, chr6:137,871,243, plus strand): 5'-ATGGCTTTTTTTTTTTCCTTTCCTTTTCAGGTGTTGGAGAGCACAATGGCTGAACAAGTC[C>A]TTCCTCAGGCTTTGTATTTGAGCAATATGCGGAAAGCTGTGAAGATACGGGAGAGAACTC-3'
Protein context (NP_001257437.1, residues 1-16): MAEQV[Leu6Ile]PQALYLSNMR

ClinVar aggregate classification (germline): Uncertain significance (1 of 4 stars; one submission).

gnomAD v4.1: 1 of 1,612,104 alleles (0.000062%); highest among the groups gnomAD compares: African/African-American, 0.0013%; no homozygotes.

Submission:

Labcorp Genetics (formerly Invitae), Labcorp
Classification: Uncertain significance. Last evaluated: 2022-07-26. Review status: criteria provided, single submitter. Criteria: Invitae Variant Classification Sherloc (09022015). Collection method: clinical testing. Allele origin: germline.
Comment: This sequence change replaces leucine, which is neutral and non-polar, with isoleucine, which is neutral and non-polar, at codon 6 of the TNFAIP3 protein (p.Leu6Ile). This variant is not present in population databases (gnomAD no frequency). This variant has not been reported in the literature in individuals affected with TNFAIP3-related conditions. ClinVar contains an entry for this variant (Variation ID: 1399117). Algorithms developed to predict the effect of missense changes on protein structure and function (SIFT, PolyPhen-2, Align-GVGD) all suggest that this variant is likely to be tolerated. In summary, the available evidence is currently insufficient to determine the role of this variant in disease. Therefore, it has been classified as a Variant of Uncertain Significance.